The following is an entry in ClinVar:

ClinVar aggregate classification (germline): Uncertain significance (1 of 4 stars; one submission).

Submission:

GeneDx
Classification: Uncertain significance. Last evaluated: 2022-03-31. Review status: criteria provided, single submitter. Criteria: GeneDx Variant Classification Process June 2021. Collection method: clinical testing. Allele origin: germline. Affected: yes.
Comment: Not observed at significant frequency in large population cohorts (gnomAD); In silico analysis supports that this missense variant does not alter protein structure/function; Has not been previously published as pathogenic or benign to our knowledge

NM_004380.3(CREBBP):c.545A>T (p.Asn182Ile)

Gene: CREBBP (CREB binding protein; minus strand). Cytogenetic location: 16p13.3.
Variant type: single nucleotide variant.
Coding change: c.545A>T on transcript NM_004380.3 (MANE Select); coding-DNA position 545, A replaced by T.
Protein change: p.Asn182Ile; replaces asparagine 182 with isoleucine.
Molecular consequence: missense variant.
Genome position (GRCh38, 1-based): chr16:3,850,550, T>A on the plus strand (A>T on the coding strand, the complement: CREBBP is on the minus strand). VCF-style: chr16-3850550-T-A. GRCh37 (hg19) VCF-style: chr16-3900551-T-A.
Other names: c.545A>T, p.Asn182Ile (NM_001079846.1); short protein forms N182I.
Identifiers: ClinVar variation 1707889 (VCV001707889.2), dbSNP rs2141492295, ClinGen allele CA394560650.